The following is an entry in ClinVar:

NM_000065.5(C6):c.822G>T (p.Gln274His)

Gene: C6 (complement C6; minus strand). Cytogenetic location: 5p13.1.
Variant type: single nucleotide variant.
Coding change: c.822G>T on transcript NM_000065.5 (MANE Select); coding-DNA position 822, G replaced by T.
Protein change: p.Gln274His; replaces glutamine 274 with histidine.
Molecular consequence: missense variant.
Genome position (GRCh38, 1-based): chr5:41,181,464, C>A on the plus strand (G>T on the coding strand, the complement: C6 is on the minus strand). VCF-style: chr5-41181464-C-A. GRCh37 (hg19) VCF-style: chr5-41181566-C-A.
Other names: c.822G>T, p.Gln274His (NM_001115131.4); short protein forms Q274H.
Identifiers: ClinVar variation 1465875 (VCV001465875.6), dbSNP rs150318194, ClinGen allele CA3252648.

ClinVar aggregate classification (germline): Uncertain significance (1 of 4 stars; one submission).

Allele frequency attached by ClinVar (database versions not stated): ExAC 0.00003; ESP Exome Variant Server 0.00015.
gnomAD v4.1: 16 of 1,613,676 alleles (0.00099%); highest among the groups gnomAD compares: African/African-American, 0.02%; no homozygotes.

Submission:

Labcorp Genetics (formerly Invitae), Labcorp
Classification: Uncertain significance. Last evaluated: 2026-01-07. Review status: criteria provided, single submitter. Criteria: Invitae Variant Classification Sherloc (09022015). Collection method: clinical testing. Allele origin: germline.
Comment: This sequence change replaces glutamine, which is neutral and polar, with histidine, which is basic and polar, at codon 274 of the C6 protein (p.Gln274His). The frequency data for this variant in the population databases is considered unreliable, as metrics indicate poor data quality at this position in the gnomAD database. This variant has not been reported in the literature in individuals affected with C6-related conditions. ClinVar contains an entry for this variant (Variation ID: 1465875). An algorithm developed to predict the effect of missense changes on protein structure and function outputs the following: PolyPhen-2: "Benign". The histidine amino acid residue is found in multiple mammalian species, which suggests that this missense change does not adversely affect protein function. In summary, the available evidence is currently insufficient to determine the role of this variant in disease. Therefore, it has been classified as a Variant of Uncertain Significance.